The following is an entry in ClinVar:

ClinVar aggregate classification (germline): Uncertain significance (1 of 4 stars; one submission).

gnomAD v4.1: 3 of 1,606,096 alleles (0.00019%); highest among the groups gnomAD compares: Non-Finnish European, 0.00026%; no homozygotes.

Submission:

Labcorp Genetics (formerly Invitae), Labcorp
Classification: Uncertain significance. Last evaluated: 2025-12-23. Review status: criteria provided, single submitter. Criteria: Invitae Variant Classification Sherloc (09022015). Collection method: clinical testing. Allele origin: germline.
Comment: This sequence change replaces tryptophan, which is neutral and slightly polar, with cysteine, which is neutral and slightly polar, at codon 1049 of the TAOK2 protein (p.Trp1049Cys). This variant is not present in population databases (gnomAD no frequency). This variant has not been reported in the literature in individuals affected with TAOK2-related conditions. An algorithm developed to predict the effect of missense changes on protein structure and function (PolyPhen-2) suggests that this variant is likely to be disruptive. In summary, the available evidence is currently insufficient to determine the role of this variant in disease. Therefore, it has been classified as a Variant of Uncertain Significance.

NM_016151.4(TAOK2):c.3147G>C (p.Trp1049Cys)

Gene: TAOK2 (TAO kinase 2; plus strand). Cytogenetic location: 16p11.2.
Variant type: single nucleotide variant.
Coding change: c.3147G>C on transcript NM_016151.4 (MANE Select); coding-DNA position 3147, G replaced by C.
Protein change: p.Trp1049Cys; replaces tryptophan 1049 with cysteine.
Molecular consequence: missense variant. On other transcripts: intron variant (1).
Genome position (GRCh38, 1-based): chr16:29,987,419, G>C. VCF-style: chr16-29987419-G-C. GRCh37 (hg19) VCF-style: chr16-29998740-G-C.
Other names: c.2808G>C, p.Trp936Cys (NM_001252043.2); c.2232+915G>C (NM_004783.4); short protein forms W1049C, W936C.
Identifiers: ClinVar variation 4763946 (VCV004763946.1).
Genomic context (GRCh38, chr16:29,987,419, plus strand): 5'-CCTGGGCCTGAGCTGGCGCCGAGGCCTCATGGGTGTTCCCCTGGGCCTTGGAGCTGCCTG[G>C]CTCTTAGCTTGGCCAGGCCTAGCTCTACCTCTGGTGGCTATGGCAGCGGGGGGCAGATGG-3'
Protein context (NP_057235.2, residues 1039-1059): MGVPLGLGAA[Trp1049Cys]LLAWPGLALP